The following is an entry in ClinVar:

ClinVar aggregate classification (germline): Uncertain significance (1 of 4 stars; one submission).

Conditions:
Dilated cardiomyopathy 1J (CMD1J). Also called: CARDIOMYOPATHY, DILATED, WITH SENSORINEURAL HEARING LOSS, AUTOSOMAL DOMINANT. Identifiers: Orphanet 217622, MedGen C1854368, MONDO:0011541, OMIM 605362.

Submission:

Labcorp Genetics (formerly Invitae), Labcorp
Classification: Uncertain significance for Dilated cardiomyopathy 1J. Last evaluated: 2021-05-30. Review status: criteria provided, single submitter. Criteria: Invitae Variant Classification Sherloc (09022015). Collection method: clinical testing. Allele origin: germline.
Comment: In summary, the available evidence is currently insufficient to determine the role of this variant in disease. Therefore, it has been classified as a Variant of Uncertain Significance. Algorithms developed to predict the effect of missense changes on protein structure and function are either unavailable or do not agree on the potential impact of this missense change (SIFT: "Tolerated"; PolyPhen-2: "Probably Damaging"; Align-GVGD: "Class C0"). This variant has not been reported in the literature in individuals with EYA4-related conditions. This variant is not present in population databases (ExAC no frequency). This sequence change replaces glutamic acid with lysine at codon 411 of the EYA4 protein (p.Glu411Lys). The glutamic acid residue is highly conserved and there is a small physicochemical difference between glutamic acid and lysine.

NM_004100.5(EYA4):c.1231G>A (p.Glu411Lys)

Genes: EYA4 (EYA transcriptional coactivator and phosphatase 4; plus strand), TARID (TCF21 antisense RNA inducing promoter demethylation; minus strand), LOC126859796 (MED14-independent group 3 enhancer GRCh37_chr6:133826289-133827488; plus strand). Cytogenetic location: 6q23.2.
Variant type: single nucleotide variant.
Coding change: c.1231G>A on transcript NM_004100.5 (MANE Select); coding-DNA position 1231, G replaced by A.
Protein change: p.Glu411Lys; replaces glutamic acid 411 with lysine.
Molecular consequence: missense variant. On other transcripts: non-coding transcript variant (1).
Genome position (GRCh38, 1-based): chr6:133,506,145, G>A. VCF-style: chr6-133506145-G-A. GRCh37 (hg19) VCF-style: chr6-133827283-G-A.
Other names: c.1069G>A, p.Glu357Lys (NM_001301012.2); c.1249G>A, p.Glu417Lys (NM_001301013.2); c.1162G>A, p.Glu388Lys (NM_001370458.1, NM_172103.4); c.1087G>A, p.Glu363Lys (NM_001370459.1); c.1231G>A, p.Glu411Lys (NM_172105.4); short protein forms E363K, E388K, E411K, E357K, E417K.
Identifiers: ClinVar variation 1469153 (VCV001469153.8), dbSNP rs776989348, ClinGen allele CA365713534.
Genomic context (GRCh38, chr6:133,506,145, plus strand): 5'-ATGTGTACATTTTCTTTACAGGATCCCCCCATGGCTGTAACCCTTGGACTCCGCATGGAA[G>A]AAATGATTTTTAATCTTGCTGATACTCATTTGTTTTTTAATGATTTAGAGGTAAGAATTT-3'
Protein context (NP_004091.3, residues 401-421): MAVTLGLRME[Glu411Lys]MIFNLADTHL